The following is an entry in ClinVar:

NM_001378454.1(ALMS1):c.5198_5199del (p.Gln1733fs)

Gene: ALMS1 (ALMS1 centrosome and basal body associated protein; plus strand). Cytogenetic location: 2p13.1.
Variant type: Deletion.
Coding change: c.5198_5199del on transcript NM_001378454.1 (MANE Select); coding-DNA positions 5198 to 5199, 2 bases deleted (AA; older notation c.5198_5199delAA).
Protein change: p.Gln1733fs; shifts the reading frame from glutamine 1733.
Molecular consequence: frameshift variant.
Genome position (GRCh38, 1-based): chr2:73,451,725-73,451,726, AA deleted. VCF-style (leftmost placement, unchanged base first): chr2-73451724-CAA-C. GRCh37 (hg19) VCF-style: chr2-73678851-CAA-C.
Other names: c.5201_5202del, p.Gln1734fs (NM_015120.4); c.5201_5202delAA (NM_015120.4); short protein forms Q1734fs, Q1733fs.
Identifiers: ClinVar variation 1746040 (VCV001746040.7), dbSNP rs2466104220, ClinGen allele CA2580067980.

ClinVar aggregate classification (germline): Pathogenic. Review status: criteria provided, multiple submitters, no conflicts (2 of 4 stars). 2 submissions from 2 submitters: Pathogenic (2). Last evaluated 2022-10-04.

Conditions:
Alstrom syndrome (ALMS). Identifiers: Orphanet 64, MedGen C0268425, MONDO:0008763, OMIM 203800.
Cardiovascular phenotype. Identifiers: MedGen CN230736.

Submissions (2):

Labcorp Genetics (formerly Invitae), Labcorp
Classification: Pathogenic for Alstrom syndrome. Last evaluated: 2022-10-04. Review status: criteria provided, single submitter. Criteria: Invitae Variant Classification Sherloc (09022015). Collection method: clinical testing. Allele origin: germline.
Comment: For these reasons, this variant has been classified as Pathogenic. This variant has not been reported in the literature in individuals affected with ALMS1-related conditions. This variant is not present in population databases (gnomAD no frequency). This sequence change creates a premature translational stop signal (p.Gln1734Argfs*13) in the ALMS1 gene. It is expected to result in an absent or disrupted protein product. Loss-of-function variants in ALMS1 are known to be pathogenic (PMID: 17594715).

Ambry Genetics
Classification: Pathogenic for Cardiovascular phenotype. Last evaluated: 2021-03-31. Review status: criteria provided, single submitter. Criteria: Ambry Variant Classification Scheme 2023. Collection method: clinical testing. Allele origin: germline.
Comment: The c.5201_5202delAA pathogenic mutation, located in coding exon 8 of the ALMS1 gene, results from a deletion of two nucleotides at nucleotide positions 5201 to 5202, causing a translational frameshift with a predicted alternate stop codon (p.Q1734Rfs*13). This alteration is expected to result in loss of function by premature protein truncation or nonsense-mediated mRNA decay. As such, this alteration is interpreted as a disease-causing mutation.

Literature cited by the submitters: PubMed 17594715 (cited by Labcorp Genetics (formerly Invitae), Labcorp).